The following is an entry in ClinVar:

ClinVar aggregate classification (germline): Uncertain significance (1 of 4 stars; one submission).

Allele frequency attached by ClinVar (database versions not stated): gnomAD exomes below 0.00001; ExAC 0.00001.
gnomAD v4.1: 1 of 1,610,582 alleles (0.000062%); highest among the groups gnomAD compares: Admixed American, 0.0017%; no homozygotes.

Submission:

Labcorp Genetics (formerly Invitae), Labcorp
Classification: Uncertain significance. Last evaluated: 2017-08-07. Review status: criteria provided, single submitter. Criteria: Invitae Variant Classification Sherloc (09022015). Collection method: clinical testing. Allele origin: germline.
Comment: This sequence change replaces phenylalanine with serine at codon 520 of the SLC5A2 protein (p.Phe520Ser). The phenylalanine residue is weakly conserved and there is a large physicochemical difference between phenylalanine and serine. In summary, the available evidence is currently insufficient to determine the role of this variant in disease. Therefore, it has been classified as a Variant of Uncertain Significance. Algorithms developed to predict the effect of missense changes on protein structure and function do not agree on the potential impact of this missense change (SIFT: "Deleterious"; PolyPhen-2: "Benign"; Align-GVGD: "Class C25"). This variant has not been reported in the literature in individuals with SLC5A2-related disease. This variant is present in population databases (rs749734676, ExAC 0.009%).

NM_003041.4(SLC5A2):c.1559T>C (p.Phe520Ser)

Gene: SLC5A2 (solute carrier family 5 member 2; plus strand). Cytogenetic location: 16p11.2.
Variant type: single nucleotide variant.
Coding change: c.1559T>C on transcript NM_003041.4 (MANE Select); coding-DNA position 1559, T replaced by C.
Protein change: p.Phe520Ser; replaces phenylalanine 520 with serine.
Molecular consequence: missense variant. On other transcripts: non-coding transcript variant (1).
Genome position (GRCh38, 1-based): chr16:31,489,232, T>C. VCF-style: chr16-31489232-T-C. GRCh37 (hg19) VCF-style: chr16-31500553-T-C.
Other names: short protein forms F520S.
Identifiers: ClinVar variation 1003213 (VCV001003213.8), dbSNP rs749734676, ClinGen allele CA8031216.